The following is an entry in ClinVar:

ClinVar aggregate classification (germline): Uncertain significance (1 of 4 stars; one submission).

Conditions:
Autosomal recessive limb-girdle muscular dystrophy type 2A (LGMDR1). Also called: Muscular dystrophy, limb-girdle, type 2A, Amish; LEYDEN-MOEBIUS MUSCULAR DYSTROPHY; MUSCULAR DYSTROPHY, PELVOFEMORAL; Limb-girdle muscular dystrophy, type 2A; Calpainopathy. Identifiers: Orphanet 267, MedGen C1869123, MONDO:0009675, OMIM 253600. Disease mechanism: loss of function.

Submission:

Labcorp Genetics (formerly Invitae), Labcorp
Classification: Uncertain significance for Autosomal recessive limb-girdle muscular dystrophy type 2A. Last evaluated: 2026-01-27. Review status: criteria provided, single submitter. Criteria: Invitae Variant Classification Sherloc (09022015). Collection method: clinical testing. Allele origin: germline.
Comment: This sequence change replaces arginine, which is basic and polar, with proline, which is neutral and non-polar, at codon 440 of the CAPN3 protein (p.Arg440Pro). This variant is present in population databases (rs376107921, gnomAD 0.03%). This variant has not been reported in the literature in individuals affected with CAPN3-related conditions. Invitae Evidence Modeling of protein sequence and biophysical properties (such as structural, functional, and spatial information, amino acid conservation, physicochemical variation, residue mobility, and thermodynamic stability) indicates that this missense variant is not expected to disrupt CAPN3 protein function with a negative predictive value of 80%. This variant disrupts the p.Arg440 amino acid residue in CAPN3. Other variant(s) that disrupt this residue have been determined to be pathogenic (PMID: 15221789, 18055493, 19048948, 20694146). This suggests that this residue is clinically significant, and that variants that disrupt this residue are likely to be disease-causing. In summary, the available evidence is currently insufficient to determine the role of this variant in disease. Therefore, it has been classified as a Variant of Uncertain Significance.

Literature cited by the submitters: PubMed 15221789; PubMed 18055493; PubMed 19048948; PubMed 20694146.

NM_000070.3(CAPN3):c.1319G>C (p.Arg440Pro)

Gene: CAPN3 (calpain 3; plus strand). Cytogenetic location: 15q15.1.
Variant type: single nucleotide variant.
Coding change: c.1319G>C on transcript NM_000070.3 (MANE Select); coding-DNA position 1319, G replaced by C.
Protein change: p.Arg440Pro; replaces arginine 440 with proline.
Molecular consequence: missense variant.
Genome position (GRCh38, 1-based): chr15:42,399,617, G>C. VCF-style: chr15-42399617-G-C. GRCh37 (hg19) VCF-style: chr15-42691815-G-C.
Other names: c.1319G>C, p.Arg440Pro (NM_024344.2); c.1175G>C, p.Arg392Pro (NM_173087.2); short protein forms R392P, R440P.
Identifiers: ClinVar variation 4745914 (VCV004745914.1).